The following is an entry in ClinVar:

NM_030665.4(RAI1):c.4189G>A (p.Asp1397Asn)

Gene: RAI1 (retinoic acid induced 1; plus strand). Cytogenetic location: 17p11.2.
Variant type: single nucleotide variant.
Coding change: c.4189G>A on transcript NM_030665.4 (MANE Select); coding-DNA position 4189, G replaced by A.
Protein change: p.Asp1397Asn; replaces aspartic acid 1397 with asparagine.
Molecular consequence: missense variant.
Genome position (GRCh38, 1-based): chr17:17,797,137, G>A. VCF-style: chr17-17797137-G-A. GRCh37 (hg19) VCF-style: chr17-17700451-G-A.
Other names: short protein forms D1397N.
Identifiers: ClinVar variation 4996087 (VCV004996087.1).
Genomic context (GRCh38, chr17:17,797,137, plus strand): 5'-GGGGTGGAAGAAGGCCTGGTAAATGTGGGCACCGGGCAGAAGCTCCCAACTTCTGGGGCT[G>A]ATCCGTTATGCAGAAATCCAACCAACAGATCCTTAAAAGGCAAACTCATGAACAGTAAGA-3'
Protein context (NP_109590.3, residues 1387-1407): TGQKLPTSGA[Asp1397Asn]PLCRNPTNRS

ClinVar aggregate classification (germline): Uncertain significance (1 of 4 stars; one submission).

Conditions:
RAI1-related disorder. Also called: RAI1-related condition.

gnomAD v4.1: 8 of 1,614,030 alleles (0.0005%); highest among the groups gnomAD compares: Non-Finnish European, 0.00068%; no homozygotes.

Submission:

PreventionGenetics, part of Exact Sciences
Classification: Uncertain significance for RAI1-related condition. Last evaluated: 2026-02-25. Review status: criteria provided, single submitter. Criteria: ACMG Guidelines, 2015. Collection method: clinical testing. Allele origin: germline.
Comment: The RAI1 c.4189G>A variant is predicted to result in the amino acid substitution p.Asp1397Asn. To our knowledge, this variant has not been reported in the literature. This variant is reported in 0.0035% of alleles in individuals of European (Non-Finnish) descent in gnomAD. At this time, the clinical significance of this variant is uncertain due to the absence of conclusive functional and genetic evidence.